The following is an entry in ClinVar:

ClinVar aggregate classification (germline): Uncertain significance (1 of 4 stars; one submission).

Conditions:
Familial thoracic aortic aneurysm and aortic dissection (TAAD). Also called: Thoracic aortic aneurysms and dissections. Identifiers: Orphanet 91387, MedGen C4707243, MONDO:0019625.

gnomAD v4.1: 1 of 1,613,774 alleles (0.000062%); no homozygotes.

Submission:

Ambry Genetics
Classification: Uncertain significance for Familial thoracic aortic aneurysm and aortic dissection. Last evaluated: 2026-07-13. Review status: criteria provided, single submitter. Criteria: Ambry Variant Classification Scheme 2023. Collection method: clinical testing. Allele origin: germline.
Comment: The p.A1351T variant (also known as c.4051G>A), located in coding exon 52 of the COL5A2 gene, results from a G to A substitution at nucleotide position 4051. The alanine at codon 1351 is replaced by threonine, an amino acid with similar properties. This amino acid position is conserved. In addition, this alteration is predicted to be tolerated by in silico analysis. Based on the available evidence, the clinical significance of this variant remains unclear.

NM_000393.5(COL5A2):c.4051G>A (p.Ala1351Thr)

Gene: COL5A2 (collagen type V alpha 2 chain; minus strand). Cytogenetic location: 2q32.2.
Variant type: single nucleotide variant.
Coding change: c.4051G>A on transcript NM_000393.5 (MANE Select); coding-DNA position 4051, G replaced by A.
Protein change: p.Ala1351Thr; replaces alanine 1351 with threonine.
Molecular consequence: missense variant.
Genome position (GRCh38, 1-based): chr2:189,036,678, C>T on the plus strand (G>A on the coding strand, the complement: COL5A2 is on the minus strand). VCF-style: chr2-189036678-C-T. GRCh37 (hg19) VCF-style: chr2-189901404-C-T.
Other names: short protein forms A1351T.
Identifiers: ClinVar variation 5034831 (VCV005034831.1).